The following is an entry in ClinVar:

ClinVar aggregate classification (germline): Uncertain significance. Review status: criteria provided, multiple submitters, no conflicts (2 of 4 stars). 2 submissions from 2 submitters: Uncertain significance (2). Last evaluated 2022-04-20.

Conditions:
Cutis laxa, autosomal recessive, type 1B (ARCL1B). Also called: CUTIS LAXA, AUTOSOMAL RECESSIVE, TYPE IB; EFEMP2-Related Cutis Laxa. Identifiers: Orphanet 90349, MedGen C3280798, MONDO:0013754, OMIM 614437. Disease mechanism: loss of function.

Submissions (2):

Revvity Omics, Revvity
Classification: Uncertain significance for Cutis laxa, autosomal recessive, type 1B. Last evaluated: 2022-04-20. Review status: criteria provided, single submitter. Criteria: ACMG Guidelines, 2015. Collection method: clinical testing. Allele origin: germline.

Labcorp Genetics (formerly Invitae), Labcorp
Classification: Uncertain significance for Cutis laxa, autosomal recessive, type 1B. Last evaluated: 2021-07-19. Review status: criteria provided, single submitter. Criteria: Invitae Variant Classification Sherloc (09022015). Collection method: clinical testing. Allele origin: germline.
Comment: This variant has not been reported in the literature in individuals with EFEMP2-related disease. In summary, the available evidence is currently insufficient to determine the role of this variant in disease. Therefore, it has been classified as a Variant of Uncertain Significance. Algorithms developed to predict the effect of missense changes on protein structure and function do not agree on the potential impact of this missense change (SIFT: "Deleterious"; PolyPhen-2: "Possibly Damaging"; Align-GVGD: "Class C0"). This variant is not present in population databases (ExAC no frequency). This sequence change replaces isoleucine with threonine at codon 72 of the EFEMP2 protein (p.Ile72Thr). The isoleucine residue is highly conserved and there is a moderate physicochemical difference between isoleucine and threonine.

NM_016938.5(EFEMP2):c.215T>C (p.Ile72Thr)

Gene: EFEMP2 (EGF-like fibulin extracellular matrix protein 2; minus strand). Cytogenetic location: 11q13.1.
Variant type: single nucleotide variant.
Coding change: c.215T>C on transcript NM_016938.5 (MANE Select); coding-DNA position 215, T replaced by C.
Protein change: p.Ile72Thr; replaces isoleucine 72 with threonine.
Molecular consequence: missense variant. On other transcripts: non-coding transcript variant (1).
Genome position (GRCh38, 1-based): chr11:65,871,309, A>G on the plus strand (T>C on the coding strand, the complement: EFEMP2 is on the minus strand). VCF-style: chr11-65871309-A-G. GRCh37 (hg19) VCF-style: chr11-65638780-A-G.
Other names: short protein forms I72T.
Identifiers: ClinVar variation 1000032 (VCV001000032.11), dbSNP rs1859961874, ClinGen allele CA381310340.